The following is an entry in ClinVar:

ClinVar aggregate classification (germline): Uncertain significance (1 of 4 stars; one submission).

Conditions:
LRRC45-related disorder. Also called: LRRC45-related condition.

gnomAD v4.1: 23 of 1,564,218 alleles (0.0015%); highest among the groups gnomAD compares: Admixed American, 0.0038%; no homozygotes.

Submission:

PreventionGenetics, part of Exact Sciences
Classification: Uncertain significance for LRRC45-related condition. Last evaluated: 2026-09-18. Review status: criteria provided, single submitter. Criteria: ACMG Guidelines, 2015. Collection method: clinical testing. Allele origin: germline.
Comment: The LRRC45 c.1494+5G>A variant is predicted to interfere with splicing. This variant is predicted to impact splicing based on available splicing prediction programs (SpliceAI, Jaganathan et al. 2019. PubMed ID: 30661751). To our knowledge, this variant has not been reported in the literature or in a large population database (gnomAD), indicating this variant is rare. At this time, the clinical significance of this variant is uncertain due to the absence of conclusive functional and genetic evidence.

NM_144999.4(LRRC45):c.1494+5G>A

Gene: LRRC45 (leucine rich repeat containing 45; plus strand). Cytogenetic location: 17q25.3.
Variant type: single nucleotide variant.
Coding change: c.1494+5G>A on transcript NM_144999.4 (MANE Select); 5 bases into the intron after coding-DNA position 1494, G replaced by A.
Molecular consequence: intron variant.
Genome position (GRCh38, 1-based): chr17:82,029,640, G>A. VCF-style: chr17-82029640-G-A. GRCh37 (hg19) VCF-style: chr17-79987516-G-A.
Identifiers: ClinVar variation 4984039 (VCV004984039.1).